The following is an entry in ClinVar:

NM_004991.4(MECOM):c.3187G>T (p.Asp1063Tyr)

Gene: MECOM (MDS1 and EVI1 complex locus; minus strand). Cytogenetic location: 3q26.2.
Variant type: single nucleotide variant.
Coding change: c.3187G>T on transcript NM_004991.4 (MANE Select); coding-DNA position 3187, G replaced by T.
Protein change: p.Asp1063Tyr; replaces aspartic acid 1063 with tyrosine.
Molecular consequence: missense variant.
Genome position (GRCh38, 1-based): chr3:169,090,214, C>A on the plus strand (G>T on the coding strand, the complement: MECOM is on the minus strand). VCF-style: chr3-169090214-C-A. GRCh37 (hg19) VCF-style: chr3-168808002-C-A.
Other names: c.2596G>T, p.Asp866Tyr (NM_001164000.2, NM_001366471.2, NM_001366472.2); c.2623G>T, p.Asp875Tyr (NM_001205194.2, NM_001366469.2, NM_005241.4 and 1 more transcripts); c.3160G>T, p.Asp1054Tyr (NM_001366466.2); c.2626G>T, p.Asp876Tyr (NM_001366467.2, NM_001366468.2); c.2599G>T, p.Asp867Tyr (NM_001366470.2, NM_001163999.2); c.2188G>T, p.Asp730Tyr (NM_001366473.2); c.1624G>T, p.Asp542Tyr (NM_001366474.2); c.2818G>T, p.Asp940Tyr (NM_001105077.4); short protein forms D1063Y, D542Y, D875Y, D876Y, D866Y, D1054Y, D730Y, D867Y.
Identifiers: ClinVar variation 4624686 (VCV004624686.1).

ClinVar aggregate classification (germline): Uncertain significance (1 of 4 stars; one submission).

Conditions:
Inborn genetic diseases. Identifiers: MedGen C0950123, MeSH D030342.

Submission:

Ambry Genetics
Classification: Uncertain significance for Inborn genetic diseases. Last evaluated: 2025-11-05. Review status: criteria provided, single submitter. Criteria: Ambry Variant Classification Scheme 2023. Collection method: clinical testing. Allele origin: germline.
Comment: The p.D1063Y variant (also known as c.3187G>T), located in coding exon 15 of the MECOM gene, results from a G to T substitution at nucleotide position 3187. The aspartic acid at codon 1063 is replaced by tyrosine, an amino acid with highly dissimilar properties. This amino acid position is conserved. In addition, this alteration is predicted to be tolerated by in silico analysis. Based on the available evidence, the clinical significance of this variant remains unclear.